The following is an entry in ClinVar:

ClinVar aggregate classification (germline): Likely benign. Review status: reviewed by expert panel (3 of 4 stars). 5 submissions from 5 submitters: Likely benign (1). 4 of the submissions do not count toward it. Last evaluated 2017-06-29.

Conditions:
Hereditary cancer-predisposing syndrome. Also called: Tumor predisposition; Neoplastic Syndromes, Hereditary; Hereditary Cancer Syndrome; Hereditary neoplastic syndrome. Identifiers: Orphanet 140162, MedGen C0027672, MeSH D009386, MONDO:0015356.
Hereditary breast ovarian cancer syndrome. Also called: Hereditary breast and ovarian cancer syndrome (HBOC); Hereditary breast and ovarian cancer syndrome; Hereditary breast and ovarian cancer; Hereditary breast and/or ovarian cancer syndrome; Breast and ovarian cancer; BRCA1- and BRCA2-Associated Hereditary Breast and Ovarian Cancer. Identifiers: Orphanet 145, MedGen C0677776, MeSH D061325, MONDO:0003582. Disease mechanism: loss of function.
Breast-ovarian cancer, familial, susceptibility to, 1 (BROVCA1). Also called: OVARIAN CANCER, SUSCEPTIBILITY TO; BRCA1 Hereditary Breast and Ovarian Cancer. Identifiers: Orphanet 145, MedGen C2676676, MONDO:0011450, OMIM 604370. Disease mechanism: loss of function.

Submissions (5):

Evidence-based Network for the Interpretation of Germline Mutant Alleles (ENIGMA)
Classification: Likely benign for Breast-ovarian cancer, familial, susceptibility to, 1. Last evaluated: 2017-06-29. Review status: reviewed by expert panel. Criteria: ENIGMA BRCA1/2 Classification Criteria (2017-06-29). Collection method: curation. Allele origin: germline.
Comment: Synonymous substitution variant, with low bioinformatic likelihood to result in a splicing aberration (Splicing prior probability 0.02).

Labcorp Genetics (formerly Invitae), Labcorp
Classification: Likely benign for Hereditary breast ovarian cancer syndrome. Last evaluated: 2025-05-19. Review status: criteria provided, single submitter. Criteria: Invitae Variant Classification Sherloc (09022015). Collection method: clinical testing. Allele origin: germline. Not counted in ClinVar's aggregate classification.

Women's Health and Genetics/Laboratory Corporation of America, LabCorp
Classification: Likely benign. Last evaluated: 2025-03-26. Review status: criteria provided, single submitter. Criteria: LabCorp Variant Classification Summary - May 2015. Collection method: clinical testing. Allele origin: germline. Not counted in ClinVar's aggregate classification.

Ambry Genetics
Classification: Likely benign for Hereditary cancer-predisposing syndrome. Last evaluated: 2021-04-08. Review status: criteria provided, single submitter. Criteria: Ambry Variant Classification Scheme 2023. Collection method: clinical testing. Allele origin: germline. Not counted in ClinVar's aggregate classification.

Breast Cancer Information Core (BIC) (BRCA1)
Classification: Uncertain significance for Breast-ovarian cancer, familial 1. Last evaluated: 2010-12-17. Review status: no assertion criteria provided. Collection method: clinical testing. Allele origin: germline. Affected: yes. Observed: 1 variant allele. Not counted in ClinVar's aggregate classification.

NM_007294.4(BRCA1):c.2175C>T (p.Ser725=)

Gene: BRCA1 (BRCA1 DNA repair associated; minus strand). Cytogenetic location: 17q21.31.
Variant type: single nucleotide variant.
Coding change: c.2175C>T on transcript NM_007294.4 (MANE Select); coding-DNA position 2175, C replaced by T.
Protein change: p.Ser725=; no amino-acid change (serine 725 retained).
Molecular consequence: synonymous variant. On other transcripts: intron variant (137).
Genome position (GRCh38, 1-based): chr17:43,093,356, G>A on the plus strand (C>T on the coding strand, the complement: BRCA1 is on the minus strand). VCF-style: chr17-43093356-G-A. GRCh37 (hg19) VCF-style: chr17-41245373-G-A.
Other names: S725S; c.1962C>T, p.Ser654= (NM_001407571.1, NM_001407853.1, NM_001407894.1 and 9 more transcripts); c.2175C>T, p.Ser725= (NM_001407581.1, NM_001407582.1, NM_001407583.1 and 30 more transcripts); c.2172C>T, p.Ser724= (NM_001407587.1, NM_001407590.1, NM_001407591.1 and 22 more transcripts); c.2166C>T, p.Ser722= (NM_001407646.1, NM_001407647.1); c.2052C>T, p.Ser684= (NM_001407648.1, NM_001407664.1, NM_001407665.1 and 19 more transcripts); c.2049C>T, p.Ser683= (NM_001407649.1, NM_001407670.1, NM_001407671.1 and 11 more transcripts); c.2097C>T, p.Ser699= (NM_001407653.1, NM_001407654.1, NM_001407655.1 and 4 more transcripts); and 42 more.
Identifiers: ClinVar variation 54483 (VCV000054483.12), dbSNP rs273898680, ClinGen allele CA001452.